The following is an entry in ClinVar:

NM_005660.3(SLC35A2):c.617_620del (p.Val206fs)

Gene: SLC35A2 (solute carrier family 35 member A2; minus strand). Cytogenetic location: Xp11.23.
Variant type: Deletion.
Coding change: c.617_620del on transcript NM_005660.3 (MANE Select); coding-DNA positions 617 to 620, 4 bases deleted (TCGT; older notation c.617_620delTCGT).
Protein change: p.Val206fs; shifts the reading frame from valine 206.
Molecular consequence: frameshift variant. On other transcripts: intron variant (3).
Genome position (GRCh38, 1-based): chrX:48,905,289-48,905,292, ACGA deleted on the plus strand (TCGT on the coding strand, the reverse complement: SLC35A2 is on the minus strand). VCF-style (leftmost placement, unchanged base first): chrX-48905288-CACGA-C. GRCh37 (hg19) VCF-style: chrX-48762565-CACGA-C.
Other names: c.617_620del, p.Val206fs (NM_001042498.3); c.434_437del, p.Val145fs (NM_001282649.2); c.656_659del, p.Val219fs (NM_001282650.2); c.701_704del, p.Val234fs (NM_001282651.2); c.427-400_427-397del (NM_001282647.2, NM_001032289.3); c.355-400_355-397del (NM_001282648.2); short protein forms V219fs, V145fs, V206fs, V234fs.
Identifiers: ClinVar variation 374354 (VCV000374354.2), dbSNP rs1057518719, ClinGen allele CA16043709.

ClinVar aggregate classification (germline): Pathogenic (0 of 4 stars; one submission).

Conditions:
SLC35A2-congenital disorder of glycosylation. Also called: DEVELOPMENTAL AND EPILEPTIC ENCEPHALOPATHY 22; SLC35A2-CDG; EPILEPTIC ENCEPHALOPATHY, EARLY INFANTILE, 22; CONGENITAL DISORDER OF GLYCOSYLATION, TYPE IIm; CDG IIm; CONGENITAL DISORDER OF GLYCOSYLATION, TYPE IIm, SOMATIC MOSAIC. Identifiers: Orphanet 356961, MedGen C3806688, MONDO:0010478, OMIM 300896.

Submission:

Baylor Genetics
Classification: Pathogenic for SLC35A2-congenital disorder of glycosylation. Last evaluated: 2014-03-13. Review status: no assertion criteria provided. Collection method: clinical testing. Allele origin: maternal. Inheritance: X-linked inheritance. Affected: yes. Observed: 1 variant allele, 1 hemizygote.
Comment: The SLC35A2 variant is categorized as deleterious according to ACMGG guidelines [PMID: 18414213].